The following is an entry in ClinVar:

ClinVar aggregate classification (germline): Uncertain significance (1 of 4 stars; one submission).

Conditions:
HTR2C-related disorder. Also called: HTR2C-related condition.

Submission:

PreventionGenetics, part of Exact Sciences
Classification: Uncertain significance for HTR2C-related condition. Last evaluated: 2025-05-19. Review status: criteria provided, single submitter. Criteria: ACMG Guidelines, 2015. Collection method: clinical testing. Allele origin: germline.
Comment: The HTR2C c.548_549delinsAG variant is predicted to result in an in-frame deletion and insertion. To our knowledge, this variant has not been reported in the literature or in a large population database (gnomAD), indicating this variant is rare. At this time, the clinical significance of this variant is uncertain due to the absence of conclusive functional and genetic evidence.

NM_000868.4(HTR2C):c.548_549delinsAG (p.Ile183Lys)

Gene: HTR2C (5-hydroxytryptamine receptor 2C; plus strand). Cytogenetic location: Xq23.
Variant type: Indel.
Coding change: c.548_549delinsAG on transcript NM_000868.4 (MANE Select); coding-DNA positions 548 to 549, TA replaced by AG.
Protein change: p.Ile183Lys; replaces isoleucine 183 with lysine.
Molecular consequence: missense variant. On other transcripts: intron variant (1).
Genome position (GRCh38, 1-based): chrX:114,848,201-114,848,202, TA replaced by AG. VCF-style: chrX-114848201-TA-AG. GRCh37 (hg19) VCF-style: chrX-114082764-TA-AG.
Other names: c.548_549delinsAG, p.Ile183Lys (NM_001256760.3); c.455+93_455+94delinsAG (NM_001256761.3); short protein forms I183K.
Identifiers: ClinVar variation 5000399 (VCV005000399.1).
Genomic context (GRCh38, chrX:114,848,201, plus strand): 5'-GCCGTTTCAATTCGCGGACTAAGGCCATCATGAAGATTGCTATTGTTTGGGCAATTTCTA[TA>AG]GGTAAATAAAACTTTTTGGCCATAAGAATTGCAGCGGCTATGCTCAATACTTTCGGATTA-3'
Protein context (NP_000859.2, residues 173-193): MKIAIVWAIS[Ile183Lys]GVSVPIPVIG